The following is an entry in ClinVar:

NM_000523.4(HOXD13):c.189_209del (p.Ala65_Ala71del)

Gene: HOXD13 (homeobox D13; plus strand). Cytogenetic location: 2q31.1.
Variant type: Deletion.
Coding change: c.189_209del on transcript NM_000523.4 (MANE Select); coding-DNA positions 189 to 209, 21 bases deleted (GGCTGCGGCGGCGGCGGCGGC).
Protein change: p.Ala65_Ala71del.
Genome position (GRCh38, 1-based): chr2:176,093,079-176,093,099, GGCTGCGGCGGCGGCGGCGGC deleted; deleting any 21 consecutive bases within chr2:176,093,074-176,093,099 gives the same sequence; the c. name uses the placement nearest the transcript's 3' end. VCF-style (leftmost placement, unchanged base first): chr2-176093073-AGCGGCGGCTGCGGCGGCGGCG-A. GRCh37 (hg19) VCF-style: chr2-176957801-AGCGGCGGCTGCGGCGGCGGCG-A.
Identifiers: ClinVar variation 3045069 (VCV003045069.2), dbSNP rs769098325, ClinGen allele CA1976520.
Genomic context (GRCh38, chr2:176,093,073, plus strand): 5'-CGGCTTTCTCTCCGCGCCTGTGTTCGCCGGGACGCATTCGGGGCGGGCGGCGGCGGCGGC[AGCGGCGGCTGCGGCGGCGGCG>A]GCGGCAGCCTCCGGCTTTGCGTACCCCGGGACCTCTGAGCGCACGGGCTCTTCCTCGTCG-3'

ClinVar aggregate classification (germline): Benign (0 of 4 stars; one submission).

Conditions:
HOXD13-related disorder. Also called: HOXD13-related disorders; HOXD13-related condition.

Submission:

PreventionGenetics, part of Exact Sciences
Classification: Benign for HOXD13-related condition. Last evaluated: 2019-10-17. Review status: no assertion criteria provided. Collection method: clinical testing. Allele origin: germline.
Comment: This variant is classified as benign based on ACMG/AMP sequence variant interpretation guidelines (Richards et al. 2015 PMID: 25741868, with internal and published modifications).